The following is an entry in ClinVar:

ClinVar aggregate classification (germline): Conflicting classifications of pathogenicity. Review status: criteria provided, conflicting classifications (1 of 4 stars). 3 submissions from 2 submitters: Uncertain significance (1); Benign (1); Likely benign (1). Last evaluated 2023-07-01.

Conditions:
Noonan syndrome 4 (NS4). Also called: SOS1-Related Noonan Syndrome; NOONAN SYNDROME WITH PIGMENTED VILLONODULAR SYNOVITIS. Identifiers: Orphanet 648, MedGen C1853120, MONDO:0012547, OMIM 610733.
Fibromatosis, gingival, 1 (GINGF1). Identifiers: Orphanet 2024, MedGen C4551558, MONDO:0007609, OMIM 135300.

Allele frequency attached by ClinVar (database versions not stated): 1000 Genomes Project 0.00180; 1000 Genomes Project 30x 0.00234; TOPMed 0.00402; gnomAD 0.00411 and 0.00429.

Submissions (3):

CeGaT Center for Human Genetics Tuebingen
Classification: Likely benign. Last evaluated: 2023-07-01. Review status: criteria provided, single submitter. Criteria: CeGaT Center For Human Genetics Tuebingen Variant Classification Criteria Version 2. Collection method: clinical testing. Allele origin: germline. Affected: yes. Observed: 10 variant alleles.
Comment: SOS1: BS1

Illumina Laboratory Services, Illumina
Classification: Uncertain significance for Noonan syndrome 4. Last evaluated: 2018-01-13. Review status: criteria provided, single submitter. Criteria: ICSL Variant Classification Criteria 13 December 2019. Collection method: clinical testing. Allele origin: germline.

Illumina Laboratory Services, Illumina
Classification: Benign for Fibromatosis, gingival, 1. Last evaluated: 2018-01-13. Review status: criteria provided, single submitter. Criteria: ICSL Variant Classification Criteria 13 December 2019. Collection method: clinical testing. Allele origin: germline.
Comment: This variant was observed in the ICSL laboratory as part of a predisposition screen in an ostensibly healthy population. It had not been previously curated by ICSL or reported in the Human Gene Mutation Database (HGMD: prior to June 1st, 2018), and was therefore a candidate for classification through an automated scoring system. Utilizing variant allele frequency, disease prevalence and penetrance estimates, and inheritance mode, an automated score was calculated to assess if this variant is too frequent to cause the disease. Based on the score and internal cut-off values, a variant classified as benign is not then subjected to further curation. The score for this variant resulted in a classification of benign for this disease.

NM_005633.4(SOS1):c.*3451A>T

Gene: SOS1 (SOS Ras/Rac guanine nucleotide exchange factor 1; minus strand). Cytogenetic location: 2p22.1.
Variant type: single nucleotide variant.
Coding change: c.*3451A>T on transcript NM_005633.4 (MANE Select); 3451 bases downstream of the stop codon, A replaced by T.
Molecular consequence: 3 prime UTR variant.
Genome position (GRCh38, 1-based): chr2:38,982,373, T>A on the plus strand (A>T on the coding strand, the complement: SOS1 is on the minus strand). VCF-style: chr2-38982373-T-A. GRCh37 (hg19) VCF-style: chr2-39209514-T-A.
Other names: c.*3451A>T (NM_001382394.1, NM_001382395.1).
Identifiers: ClinVar variation 335975 (VCV000335975.33), dbSNP rs78411167, ClinGen allele CA10615204.